The following is an entry in ClinVar:

NM_005751.5(AKAP9):c.10687A>G (p.Lys3563Glu)

Gene: AKAP9 (A-kinase anchoring protein 9; plus strand). Cytogenetic location: 7q21.2.
Variant type: single nucleotide variant.
Coding change: c.10687A>G on transcript NM_005751.5 (MANE Select); coding-DNA position 10687, A replaced by G.
Protein change: p.Lys3563Glu; replaces lysine 3563 with glutamic acid.
Molecular consequence: missense variant.
Genome position (GRCh38, 1-based): chr7:92,098,188, A>G. VCF-style: chr7-92098188-A-G. GRCh37 (hg19) VCF-style: chr7-91727502-A-G.
Other names: c.5332A>G, p.Lys1778Glu (NM_001379277.1); c.10663A>G, p.Lys3555Glu (NM_147185.3); short protein forms K3563E, K3555E, K1778E.
Identifiers: ClinVar variation 518879 (VCV000518879.8), dbSNP rs1297567039, ClinGen allele CA368157712.

ClinVar aggregate classification (germline): Uncertain significance. Review status: criteria provided, multiple submitters, no conflicts (2 of 4 stars). 2 submissions from 2 submitters: Uncertain significance (2). Last evaluated 2023-12-13.

Conditions:
Cardiovascular phenotype. Identifiers: MedGen CN230736.
Long QT syndrome (LQTS). Identifiers: MedGen C0023976, MeSH D008133, MONDO:0002442. Disease mechanism: loss of function. Inheritance: Various modes of inheritance.

Allele frequency attached by ClinVar (database versions not stated): gnomAD exomes below 0.00001 and 0.00001.
gnomAD v4.1: 13 of 1,610,410 alleles (0.00081%); highest among the groups gnomAD compares: Non-Finnish European, 0.00093%; no homozygotes.

Submissions (2):

Labcorp Genetics (formerly Invitae), Labcorp
Classification: Uncertain significance for Long QT syndrome. Last evaluated: 2023-12-13. Review status: criteria provided, single submitter. Criteria: Invitae Variant Classification Sherloc (09022015). Collection method: clinical testing. Allele origin: germline.
Comment: This sequence change replaces lysine, which is basic and polar, with glutamic acid, which is acidic and polar, at codon 3563 of the AKAP9 protein (p.Lys3563Glu). This variant is present in population databases (no rsID available, gnomAD 0.003%). This variant has not been reported in the literature in individuals affected with AKAP9-related conditions. ClinVar contains an entry for this variant (Variation ID: 518879). An algorithm developed to predict the effect of missense changes on protein structure and function (PolyPhen-2) suggests that this variant is likely to be tolerated. In summary, the available evidence is currently insufficient to determine the role of this variant in disease. Therefore, it has been classified as a Variant of Uncertain Significance.

Ambry Genetics
Classification: Uncertain significance for Cardiovascular phenotype. Last evaluated: 2023-09-25. Review status: criteria provided, single submitter. Criteria: Ambry Variant Classification Scheme 2023. Collection method: clinical testing. Allele origin: germline.
Comment: The p.K3563E variant (also known as c.10687A>G), located in coding exon 43 of the AKAP9 gene, results from an A to G substitution at nucleotide position 10687. The lysine at codon 3563 is replaced by glutamic acid, an amino acid with similar properties. This amino acid position is not well conserved in available vertebrate species. In addition, this alteration is predicted to be tolerated by in silico analysis. Since supporting evidence is limited at this time, the clinical significance of this alteration remains unclear.